The following is an entry in ClinVar:

NM_177550.5(SLC13A5):c.1591A>G (p.Ile531Val)

Gene: SLC13A5 (solute carrier family 13 member 5; minus strand). Cytogenetic location: 17p13.1.
Variant type: single nucleotide variant.
Coding change: c.1591A>G on transcript NM_177550.5 (MANE Select); coding-DNA position 1591, A replaced by G.
Protein change: p.Ile531Val; replaces isoleucine 531 with valine.
Molecular consequence: missense variant.
Genome position (GRCh38, 1-based): chr17:6,686,323, T>C on the plus strand (A>G on the coding strand, the complement: SLC13A5 is on the minus strand). VCF-style: chr17-6686323-T-C. GRCh37 (hg19) VCF-style: chr17-6589642-T-C.
Other names: c.1453A>G, p.Ile485Val (NM_001143838.3); c.1540A>G, p.Ile514Val (NM_001284509.2); c.1462A>G, p.Ile488Val (NM_001284510.2); short protein forms I488V, I514V, I485V, I531V.
Identifiers: ClinVar variation 1425012 (VCV001425012.8), dbSNP rs753629596, ClinGen allele CA8331309.

ClinVar aggregate classification (germline): Uncertain significance (1 of 4 stars; one submission).

Conditions:
Developmental and epileptic encephalopathy, 25 (DEE25). Also called: Developmental and epileptic encephalopathy 25, with amelogenesis imperfecta; Epileptic encephalopathy, early infantile, 25, with amelogenesis imperfecta; Epileptic encephalopathy, early infantile, 25. Identifiers: Orphanet 442835, MedGen C4014621, MONDO:0014392, OMIM 615905.

Allele frequency attached by ClinVar (database versions not stated): gnomAD 0.00001; gnomAD exomes 0.00001 and 0.00002; ExAC 0.00004.

Submission:

Labcorp Genetics (formerly Invitae), Labcorp
Classification: Uncertain significance for Developmental and epileptic encephalopathy, 25. Last evaluated: 2022-02-08. Review status: criteria provided, single submitter. Criteria: Invitae Variant Classification Sherloc (09022015). Collection method: clinical testing. Allele origin: germline.
Comment: In summary, the available evidence is currently insufficient to determine the role of this variant in disease. Therefore, it has been classified as a Variant of Uncertain Significance. Algorithms developed to predict the effect of missense changes on protein structure and function output the following: SIFT: "Tolerated"; PolyPhen-2: "Benign"; Align-GVGD: "Class C0". The valine amino acid residue is found in multiple mammalian species, which suggests that this missense change does not adversely affect protein function. This variant has not been reported in the literature in individuals affected with SLC13A5-related conditions. This variant is present in population databases (rs753629596, gnomAD 0.02%). This sequence change replaces isoleucine, which is neutral and non-polar, with valine, which is neutral and non-polar, at codon 531 of the SLC13A5 protein (p.Ile531Val).